The following is an entry in ClinVar:

ClinVar aggregate classification (germline): Uncertain significance (1 of 4 stars; one submission).

Conditions:
Congenital myotonia, autosomal dominant form (THD). Also called: THOMSEN DISEASE; Myotonia congenita autosomal dominant. Identifiers: Orphanet 614, MedGen C2936781, MONDO:0008055, OMIM 160800.
Congenital myotonia, autosomal recessive form. Also called: BECKER DISEASE; Becker Generalized Myotonia; myotonia congenita, autosomal recessive. Identifiers: Orphanet 614, MedGen C0751360, MONDO:0009715, OMIM 255700.

Submission:

Labcorp Genetics (formerly Invitae), Labcorp
Classification: Uncertain significance for Congenital myotonia, autosomal recessive form; Congenital myotonia, autosomal dominant form. Last evaluated: 2023-07-11. Review status: criteria provided, single submitter. Criteria: Invitae Variant Classification Sherloc (09022015). Collection method: clinical testing. Allele origin: germline.
Comment: In summary, the available evidence is currently insufficient to determine the role of this variant in disease. Therefore, it has been classified as a Variant of Uncertain Significance. This sequence change replaces methionine, which is neutral and non-polar, with valine, which is neutral and non-polar, at codon 410 of the CLCN1 protein (p.Met410Val). This variant is not present in population databases (gnomAD no frequency). This variant has not been reported in the literature in individuals affected with CLCN1-related conditions. Algorithms developed to predict the effect of missense changes on protein structure and function output the following: SIFT: "Not Available"; PolyPhen-2: "Benign"; Align-GVGD: "Not Available". The valine amino acid residue is found in multiple mammalian species, which suggests that this missense change does not adversely affect protein function.

NM_000083.3(CLCN1):c.1228A>G (p.Met410Val)

Gene: CLCN1 (chloride voltage-gated channel 1; plus strand). Cytogenetic location: 7q34.
Variant type: single nucleotide variant.
Coding change: c.1228A>G on transcript NM_000083.3 (MANE Select); coding-DNA position 1228, A replaced by G.
Protein change: p.Met410Val; replaces methionine 410 with valine.
Molecular consequence: missense variant. On other transcripts: non-coding transcript variant (1).
Genome position (GRCh38, 1-based): chr7:143,332,480, A>G. VCF-style: chr7-143332480-A-G. GRCh37 (hg19) VCF-style: chr7-143029573-A-G.
Other names: short protein forms M410V.
Identifiers: ClinVar variation 2949485 (VCV002949485.3), dbSNP rs2487063743, ClinGen allele CA369643472.